The following is an entry in ClinVar:

ClinVar aggregate classification (germline): Uncertain significance (1 of 4 stars; one submission).

Allele frequency attached by ClinVar (database versions not stated): TOPMed below 0.00001; gnomAD 0.00001; gnomAD exomes 0.00001; ExAC 0.00003; 1000 Genomes Project 30x 0.00031; 1000 Genomes Project 0.00040.
gnomAD v4.1: 9 of 1,601,538 alleles (0.00056%); highest among the groups gnomAD compares: African/African-American, 0.0027%; no homozygotes.

Submission:

Labcorp Genetics (formerly Invitae), Labcorp
Classification: Uncertain significance. Last evaluated: 2026-02-02. Review status: criteria provided, single submitter. Criteria: Invitae Variant Classification Sherloc (09022015). Collection method: clinical testing. Allele origin: germline.
Comment: This sequence change replaces aspartic acid, which is acidic and polar, with asparagine, which is neutral and polar, at codon 586 of the CPAMD8 protein (p.Asp586Asn). This variant is present in population databases (rs183799258, gnomAD 0.007%). This variant has not been reported in the literature in individuals affected with CPAMD8-related conditions. ClinVar contains an entry for this variant (Variation ID: 1896695). An algorithm developed to predict the effect of missense changes on protein structure and function outputs the following: PolyPhen-2: "Benign". The asparagine amino acid residue is found in multiple mammalian species, which suggests that this missense change does not adversely affect protein function. In summary, the available evidence is currently insufficient to determine the role of this variant in disease. Therefore, it has been classified as a Variant of Uncertain Significance.

NM_015692.5(CPAMD8):c.1615G>A (p.Asp539Asn)

Gene: CPAMD8 (C3 and PZP like alpha-2-macroglobulin domain containing 8; minus strand). Cytogenetic location: 19p13.11.
Variant type: single nucleotide variant.
Coding change: c.1615G>A on transcript NM_015692.5 (MANE Select); coding-DNA position 1615, G replaced by A.
Protein change: p.Asp539Asn; replaces aspartic acid 539 with asparagine.
Molecular consequence: missense variant.
Genome position (GRCh38, 1-based): chr19:16,977,511, C>T on the plus strand (G>A on the coding strand, the complement: CPAMD8 is on the minus strand). VCF-style: chr19-16977511-C-T. GRCh37 (hg19) VCF-style: chr19-17088321-C-T.
Other names: short protein forms D539N.
Identifiers: ClinVar variation 1896695 (VCV001896695.5), dbSNP rs183799258, ClinGen allele CA9285636.